The following is an entry in ClinVar:

NM_015978.3(TNNI3K):c.2038C>A (p.His680Asn)

Genes: FPGT-TNNI3K (FPGT-TNNI3K readthrough; plus strand), TNNI3K (TNNI3 interacting kinase; plus strand). Cytogenetic location: 1p31.1.
Variant type: single nucleotide variant.
Coding change: c.2038C>A on transcript NM_015978.3 (MANE Select); coding-DNA position 2038, C replaced by A.
Protein change: p.His680Asn; replaces histidine 680 with asparagine.
Molecular consequence: missense variant.
Genome position (GRCh38, 1-based): chr1:74,463,467, C>A. VCF-style: chr1-74463467-C-A. GRCh37 (hg19) VCF-style: chr1-74929151-C-A.
Other names: c.2341C>A, p.His781Asn (NM_001112808.3, NM_001199327.2); short protein forms H781N, H680N.
Identifiers: ClinVar variation 1500972 (VCV001500972.8), dbSNP rs200598601, ClinGen allele CA909578.

ClinVar aggregate classification (germline): Uncertain significance (1 of 4 stars; one submission).

Allele frequency attached by ClinVar (database versions not stated): gnomAD exomes below 0.00001 and 0.00002; ExAC 0.00001; 1000 Genomes Project 30x 0.00016; 1000 Genomes Project 0.00020.
gnomAD v4.1: 35 of 1,614,176 alleles (0.0022%); highest among the groups gnomAD compares: Non-Finnish European, 0.0029%; no homozygotes.

Submission:

Labcorp Genetics (formerly Invitae), Labcorp
Classification: Uncertain significance. Last evaluated: 2024-02-23. Review status: criteria provided, single submitter. Criteria: Invitae Variant Classification Sherloc (09022015). Collection method: clinical testing. Allele origin: germline.
Comment: This sequence change replaces histidine, which is basic and polar, with asparagine, which is neutral and polar, at codon 680 of the TNNI3K protein (p.His680Asn). This variant is present in population databases (rs200598601, gnomAD 0.003%). This variant has not been reported in the literature in individuals affected with TNNI3K-related conditions. ClinVar contains an entry for this variant (Variation ID: 1500972). An algorithm developed to predict the effect of missense changes on protein structure and function (PolyPhen-2) suggests that this variant is likely to be disruptive. In summary, the available evidence is currently insufficient to determine the role of this variant in disease. Therefore, it has been classified as a Variant of Uncertain Significance.